The following is an entry in ClinVar:

ClinVar aggregate classification (germline): Uncertain significance (1 of 4 stars; one submission).

Submission:

Women's Health and Genetics/Laboratory Corporation of America, LabCorp
Classification: Uncertain significance. Last evaluated: 2024-05-17. Review status: criteria provided, single submitter. Criteria: LabCorp Variant Classification Summary - May 2015. Collection method: clinical testing. Allele origin: germline.
Comment: Variant summary: GRIA1 c.121G>A (p.Ala41Thr) results in a non-conservative amino acid change located in the Receptor, ligand binding region (IPR001828) of the encoded protein sequence. Four of five in-silico tools predict a damaging effect of the variant on protein function. The variant allele was found at a frequency of 4e-06 in 251110 control chromosomes. The available data on variant occurrences in the general population are insufficient to allow any conclusion about variant significance. To our knowledge, no occurrence of c.121G>A in individuals affected with Intellectual Developmental Disorder, Autosomal Dominant 67 and no experimental evidence demonstrating its impact on protein function have been reported. No submitters have cited clinical-significance assessments for this variant to ClinVar. Based on the evidence outlined above, the variant was classified as uncertain significance.

NM_000827.4(GRIA1):c.121G>A (p.Ala41Thr)

Gene: GRIA1 (glutamate ionotropic receptor AMPA type subunit 1; plus strand). Cytogenetic location: 5q33.2.
Variant type: single nucleotide variant.
Coding change: c.121G>A on transcript NM_000827.4 (MANE Select); coding-DNA position 121, G replaced by A.
Protein change: p.Ala41Thr; replaces alanine 41 with threonine.
Molecular consequence: missense variant. On other transcripts: 5 prime UTR variant (3), non-coding transcript variant (1).
Genome position (GRCh38, 1-based): chr5:153,493,966, G>A. VCF-style: chr5-153493966-G-A. GRCh37 (hg19) VCF-style: chr5-152873526-G-A.
Other names: c.121G>A, p.Ala41Thr (NM_001114183.2, NM_001258019.2, NM_001364165.2); c.-222G>A (NM_001258020.2); c.151G>A, p.Ala51Thr (NM_001258021.2, NM_001258022.2); c.-87G>A (NM_001258023.1, NM_001364167.2); c.148G>A, p.Ala50Thr (NM_001364166.2); short protein forms A41T, A50T, A51T.
Identifiers: ClinVar variation 3336521 (VCV003336521.1).